The following is an entry in ClinVar:

NM_005911.6(MAT2A):c.800T>C (p.Ile267Thr)

Genes: GGCX (gamma-glutamyl carboxylase; minus strand), MAT2A (methionine adenosyltransferase 2A; plus strand). Cytogenetic location: 2p11.2.
Variant type: single nucleotide variant.
Coding change: c.800T>C on transcript NM_005911.6 (MANE Select); coding-DNA position 800, T replaced by C.
Protein change: p.Ile267Thr; replaces isoleucine 267 with threonine.
Molecular consequence: missense variant.
Genome position (GRCh38, 1-based): chr2:85,542,596, T>C. VCF-style: chr2-85542596-T-C. GRCh37 (hg19) VCF-style: chr2-85769719-T-C.
Other names: short protein forms I267T.
Identifiers: ClinVar variation 1504020 (VCV001504020.6), dbSNP rs2103918667, ClinGen allele CA347477605.

ClinVar aggregate classification (germline): Uncertain significance (1 of 4 stars; one submission).

Conditions:
Familial thoracic aortic aneurysm and aortic dissection (TAAD). Also called: Thoracic aortic aneurysms and dissections. Identifiers: Orphanet 91387, MedGen C4707243, MONDO:0019625.

Allele frequency attached by ClinVar (database versions not stated): gnomAD exomes below 0.00001.
gnomAD v4.1: 1 of 1,614,122 alleles (0.000062%); highest among the groups gnomAD compares: Non-Finnish European, 0.000085%; no homozygotes.

Submission:

Labcorp Genetics (formerly Invitae), Labcorp
Classification: Uncertain significance for Familial thoracic aortic aneurysm and aortic dissection. Last evaluated: 2021-10-20. Review status: criteria provided, single submitter. Criteria: Invitae Variant Classification Sherloc (09022015). Collection method: clinical testing. Allele origin: germline.
Comment: This sequence change replaces isoleucine, a(n) neutral and non-polar amino acid, with threonine, a(n) neutral and polar amino acid, at codon 267 of the MAT2A protein (p.Ile267Thr). This variant is not present in population databases (gnomAD no frequency). This variant has not been reported in the literature in individuals affected with MAT2A-related conditions. Algorithms developed to predict the effect of missense changes on protein structure and function (SIFT, PolyPhen-2, Align-GVGD) all suggest that this variant is likely to be disruptive. In summary, the available evidence is currently insufficient to determine the role of this variant in disease. Therefore, it has been classified as a Variant of Uncertain Significance.